The following is an entry in ClinVar:

ClinVar aggregate classification (germline): Uncertain significance. Review status: criteria provided, multiple submitters, no conflicts (2 of 4 stars). 4 submissions from 4 submitters: Uncertain significance (4). Last evaluated 2025-02-12.

Conditions:
Hereditary nonpolyposis colorectal neoplasms. Identifiers: MedGen C0009405, MeSH D003123.
Hereditary cancer-predisposing syndrome. Also called: Neoplastic Syndromes, Hereditary; Tumor predisposition; Hereditary Cancer Syndrome; Hereditary neoplastic syndrome. Identifiers: Orphanet 140162, MedGen C0027672, MeSH D009386, MONDO:0015356.
Lynch syndrome. Identifiers: Orphanet 144, MedGen C4552100, MONDO:0005835. Disease mechanism: loss of function.

Allele frequency attached by ClinVar (database versions not stated): gnomAD exomes below 0.00001.
gnomAD v4.1: 8 of 1,612,632 alleles (0.0005%); highest among the groups gnomAD compares: South Asian, 0.0077%; no homozygotes.

Submissions (4):

Labcorp Genetics (formerly Invitae), Labcorp
Classification: Uncertain significance for Hereditary nonpolyposis colorectal neoplasms. Last evaluated: 2025-02-12. Review status: criteria provided, single submitter. Criteria: Invitae Variant Classification Sherloc (09022015). Collection method: clinical testing. Allele origin: germline.
Comment: This sequence change replaces serine, which is neutral and polar, with tryptophan, which is neutral and slightly polar, at codon 7 of the PMS2 protein (p.Ser7Trp). This variant is present in population databases (rs587780048, gnomAD 0.003%). This variant has not been reported in the literature in individuals affected with PMS2-related conditions. ClinVar contains an entry for this variant (Variation ID: 234058). Invitae Evidence Modeling incorporating data from in vitro experimental studies (internal data) indicates that this missense variant is not expected to disrupt PMS2 function with a negative predictive value of 95%. In summary, the available evidence is currently insufficient to determine the role of this variant in disease. Therefore, it has been classified as a Variant of Uncertain Significance.

All of Us Research Program, National Institutes of Health
Classification: Uncertain significance for Lynch syndrome. Last evaluated: 2023-12-18. Review status: criteria provided, single submitter. Criteria: ACMG Guidelines, 2015. Collection method: clinical testing. Allele origin: germline. Inheritance: Autosomal dominant inheritance. Observed: 1 variant allele, 1 heterozygote.
Comment: This missense variant replaces serine with tryptophan at codon 7 of the PMS2 protein. Computational prediction suggests that this variant may not impact protein structure and function (internally defined REVEL score threshold <= 0.5, PMID: 27666373). Splice site prediction tools suggest that this variant may not impact RNA splicing. To our knowledge, functional studies have not been performed for this variant. This variant has not been reported in individuals affected with hereditary cancer in the literature. This variant has been identified in 1/250298 chromosomes in the general population by the Genome Aggregation Database (gnomAD). The available evidence is insufficient to determine the role of this variant in disease conclusively. Therefore, this variant is classified as a Variant of Uncertain Significance.

This study involves interpretation of variants in research participants for the purpose of population health screening. Participant phenotype was not available at the time of variant classification. Additional details can be found in publication PMID: 35346344, PMCID: PMC8962531

Color Diagnostics, LLC DBA Color Health
Classification: Uncertain significance for Hereditary cancer-predisposing syndrome. Last evaluated: 2023-12-06. Review status: criteria provided, single submitter. Criteria: ACMG Guidelines, 2015. Collection method: clinical testing. Allele origin: germline.
Comment: This missense variant replaces serine with tryptophan at codon 7 of the PMS2 protein. Computational prediction suggests that this variant may not impact protein structure and function (internally defined REVEL score threshold <= 0.5, PMID: 27666373). To our knowledge, functional studies have not been reported for this variant. This variant has not been reported in individuals affected with PMS2-related disorders in the literature. This variant has been identified in 1/250298 chromosomes in the general population by the Genome Aggregation Database (gnomAD). The available evidence is insufficient to determine the role of this variant in disease conclusively. Therefore, this variant is classified as a Variant of Uncertain Significance.

Ambry Genetics
Classification: Uncertain significance for Hereditary cancer-predisposing syndrome. Last evaluated: 2023-11-15. Review status: criteria provided, single submitter. Criteria: Ambry Variant Classification Scheme 2023. Collection method: clinical testing. Allele origin: germline.
Comment: The p.S7W variant (also known as c.20C>G), located in coding exon 1 of the PMS2 gene, results from a C to G substitution at nucleotide position 20. The serine at codon 7 is replaced by tryptophan, an amino acid with highly dissimilar properties. This amino acid position is poorly conserved in available vertebrate species. In addition, the in silico prediction for this alteration is inconclusive. Since supporting evidence is limited at this time, the clinical significance of this alteration remains unclear.

NM_000535.7(PMS2):c.20C>G (p.Ser7Trp)

Gene: PMS2 (PMS1 homolog 2, mismatch repair system component; minus strand). Cytogenetic location: 7p22.1.
Variant type: single nucleotide variant.
Coding change: c.20C>G on transcript NM_000535.7 (MANE Select); coding-DNA position 20, C replaced by G.
Protein change: p.Ser7Trp; replaces serine 7 with tryptophan.
Molecular consequence: missense variant. On other transcripts: 5 prime UTR variant (11), non-coding transcript variant (1).
Genome position (GRCh38, 1-based): chr7:6,009,000, G>C on the plus strand (C>G on the coding strand, the complement: PMS2 is on the minus strand). VCF-style: chr7-6009000-G-C. GRCh37 (hg19) VCF-style: chr7-6048631-G-C.
Other names: c.-381C>G (NM_001322003.2, NM_001322013.2); c.-246C>G (NM_001322004.2, NM_001322010.2); c.-576C>G (NM_001322005.2); c.20C>G, p.Ser7Trp (NM_001322006.2, NM_001322014.2); c.-196C>G (NM_001322007.2); c.-56C>G (NM_001322008.2); c.-571C>G (NM_001322009.2); c.-865C>G (NM_001322011.2); and 2 more; short protein forms S7W.
Identifiers: ClinVar variation 234058 (VCV000234058.22), dbSNP rs587780048, ClinGen allele CA046573.
Genomic context (GRCh38, chr7:6,009,000, plus strand): 5'-TGGGTCTCAAAGAGGGCGCGCGAGAGGGGACACCGGAAGACTGCGAGCCCCGCTCACCTC[G>C]AGCTCTCAGCTCGCTCCATGGATGCAACACCCGATCCGCCTCGGGGACTGGGAAAGTTCC-3'
Protein context (NP_000526.2, residues 1-17): MERAES[Ser7Trp]STEPAKAIKP